The following is an entry in ClinVar:

ClinVar aggregate classification (germline): Benign. Review status: criteria provided, multiple submitters, no conflicts (2 of 4 stars). 6 submissions from 6 submitters: Benign (5). 1 of the submissions does not count toward it. Last evaluated 2026-02-04.

Conditions:
Mitochondrial DNA depletion syndrome 13. Also called: FBXL4-Related Encephalomyopathic Mitochondrial DNA Depletion Syndrome; Mitochondrial DNA depletion syndrome 13 (encephalomyopathic type). Identifiers: Orphanet 369897, MedGen C3809592, MONDO:0014198, OMIM 615471.

Allele frequency attached by ClinVar (database versions not stated): 1000 Genomes Project 30x 0.03217; 1000 Genomes Project 0.03235; TOPMed 0.04985; gnomAD 0.05396 and 0.05403; gnomAD exomes 0.05951 and 0.07410; ESP Exome Variant Server 0.06005; ExAC 0.06115.
gnomAD v4.1: 115,906 of 1,613,406 alleles (7.2%); highest among the groups gnomAD compares: Non-Finnish European, 8.1%; 4,817 homozygotes.

Submissions (6):

Labcorp Genetics (formerly Invitae), Labcorp
Classification: Benign. Last evaluated: 2026-02-04. Review status: criteria provided, single submitter. Criteria: Invitae Variant Classification Sherloc (09022015). Collection method: clinical testing. Allele origin: germline.

Blueprint Genetics
Classification: Benign. Last evaluated: 2024-11-26. Review status: criteria provided, single submitter. Criteria: ACMG Guidelines, 2015. Collection method: clinical testing. Allele origin: germline.

Wong Mito Lab, Molecular and Human Genetics, Baylor College of Medicine
Classification: Benign for Mitochondrial DNA depletion syndrome 13. Last evaluated: 2017-08-10. Review status: criteria provided, single submitter. Criteria: ACMG Guidelines, 2015. Collection method: reference population. Allele origin: germline.
Comment: The NM_012160.4:c.465C>T (NP_036292.2:p.Leu155=) [GRCH38: NC_000006.12:g.98926524G>A] variant in FBXL4 gene is interpretated to be a Benign - Stand Alone based on ACMG guidelines (PMID: 25741868). This variant meets one or more of the following evidence codes reported in the ACMG-guideline. BA1:Minor allele frequency is too high for the Mitochondrial DNA depletion syndrome 13. BS2:Observation of the variant is in controls is inconsistent with penetrance of Mitochondrial DNA depletion syndrome 13. BP4:Computational evidence/predictors indicate no impact on the FBXL4 structure, function, or protein-protein interaction. Based on this evidence code ClinGen Pathogenicity Calculator (PMID:28081714) suggested that the variant is Benign - Stand Alone.

GeneDx
Classification: Benign. Last evaluated: 2015-12-02. Review status: criteria provided, single submitter. Criteria: GeneDx Variant Classification (06012015). Collection method: clinical testing. Allele origin: germline. Affected: yes.
Comment: This variant is considered likely benign or benign based on one or more of the following criteria: it is a conservative change, it occurs at a poorly conserved position in the protein, it is predicted to be benign by multiple in silico algorithms, and/or has population frequency not consistent with disease.

PreventionGenetics, part of Exact Sciences
Classification: Benign. Review status: criteria provided, single submitter. Criteria: ACMG Guidelines, 2015. Collection method: clinical testing. Allele origin: germline.

Mayo Clinic Laboratories, Mayo Clinic
Classification: Benign. Last evaluated: 2016-02-26. Review status: no assertion criteria provided. Collection method: clinical testing. Allele origin: unknown. Not counted in ClinVar's aggregate classification.

NM_001278716.2(FBXL4):c.465C>T (p.Leu155=)

Gene: FBXL4 (F-box and leucine rich repeat protein 4; minus strand). Cytogenetic location: 6q16.2.
Variant type: single nucleotide variant.
Coding change: c.465C>T on transcript NM_001278716.2 (MANE Select); coding-DNA position 465, C replaced by T.
Protein change: p.Leu155=; no amino-acid change (leucine 155 retained).
Molecular consequence: synonymous variant. On other transcripts: non-coding transcript variant (2).
Genome position (GRCh38, 1-based): chr6:98,926,524, G>A on the plus strand (C>T on the coding strand, the complement: FBXL4 is on the minus strand). VCF-style: chr6-98926524-G-A. GRCh37 (hg19) VCF-style: chr6-99374400-G-A.
Other names: c.465C>T, p.Leu155= (NM_012160.5).
Identifiers: ClinVar variation 260209 (VCV000260209.14), dbSNP rs1011676, ClinGen allele CA3933683.